The following is an entry in ClinVar:

NM_001018115.3(FANCD2):c.144T>A (p.Phe48Leu)

Genes: FANCD2 (FA complementation group D2; plus strand), LOC107303338 (3p25 FANCD2 Alu-mediated recombination region; plus strand). Cytogenetic location: 3p25.3.
Variant type: single nucleotide variant.
Coding change: c.144T>A on transcript NM_001018115.3 (MANE Select); coding-DNA position 144, T replaced by A.
Protein change: p.Phe48Leu; replaces phenylalanine 48 with leucine.
Molecular consequence: missense variant.
Genome position (GRCh38, 1-based): chr3:10,032,911, T>A. VCF-style: chr3-10032911-T-A. GRCh37 (hg19) VCF-style: chr3-10074595-T-A.
Other names: c.144T>A (NM_001018115.2); c.144T>A, p.Phe48Leu (NM_001319984.2, NM_001374253.1, NM_001374254.1 and 2 more transcripts); short protein forms F48L.
Identifiers: ClinVar variation 939473 (VCV000939473.9), dbSNP rs750534583, ClinGen allele CA2249117.

ClinVar aggregate classification (germline): Conflicting classifications of pathogenicity. Review status: criteria provided, conflicting classifications (1 of 4 stars). 3 submissions from 3 submitters: Likely pathogenic (1); Uncertain significance (2). Last evaluated 2024-05-31.

Conditions:
Ovarian cancer. Also called: OVARIAN CANCER, SOMATIC. Identifiers: Orphanet 213500, MedGen C1140680, MONDO:0008170, OMIM 167000.
Fanconi anemia (FA). Also called: Fanconi's anemia. Identifiers: Orphanet 84, MedGen C0015625, MeSH D005199, MONDO:0019391.
Fanconi anemia complementation group D2. Also called: FANCD2-Related Fanconi Anemia; FANCONI PANCYTOPENIA, TYPE 4; FANCONI ANEMIA, COMPLEMENTATION GROUP D. Identifiers: Orphanet 84, MedGen C3160738, MONDO:0009214, OMIM 227646.

Allele frequency attached by ClinVar (database versions not stated): TOPMed 0.00002; gnomAD 0.00003; gnomAD exomes 0.00003; ExAC 0.00004.
gnomAD v4.1: 9 of 1,602,526 alleles (0.00056%); highest among the groups gnomAD compares: East Asian, 0.018%; no homozygotes.

Submissions (3):

Labcorp Genetics (formerly Invitae), Labcorp
Classification: Uncertain significance for Fanconi anemia. Last evaluated: 2024-05-31. Review status: criteria provided, single submitter. Criteria: Invitae Variant Classification Sherloc (09022015). Collection method: clinical testing. Allele origin: germline.
Comment: This sequence change replaces phenylalanine, which is neutral and non-polar, with leucine, which is neutral and non-polar, at codon 48 of the FANCD2 protein (p.Phe48Leu). This variant is present in population databases (rs750534583, gnomAD 0.05%). This variant has not been reported in the literature in individuals affected with FANCD2-related conditions. ClinVar contains an entry for this variant (Variation ID: 939473). Advanced modeling of protein sequence and biophysical properties (such as structural, functional, and spatial information, amino acid conservation, physicochemical variation, residue mobility, and thermodynamic stability) performed at Invitae indicates that this missense variant is not expected to disrupt FANCD2 protein function with a negative predictive value of 80%. In summary, the available evidence is currently insufficient to determine the role of this variant in disease. Therefore, it has been classified as a Variant of Uncertain Significance.

Laboratory of Molecular Epidemiology of Birth Defects, West China Second University Hospital, Sichuan University
Classification: Likely pathogenic for Ovarian cancer. Last evaluated: 2022-01-01. Review status: criteria provided, single submitter. Criteria: ACMG Guidelines, 2015. Collection method: clinical testing. Allele origin: germline. Affected: yes.

Fulgent Genetics
Classification: Uncertain significance for Fanconi anemia complementation group D2. Last evaluated: 2021-12-17. Review status: criteria provided, single submitter. Criteria: ACMG Guidelines, 2015. Collection method: clinical testing. Allele origin: unknown.